The following is an entry in ClinVar:

ClinVar aggregate classification (germline): Benign/Likely benign. Review status: criteria provided, multiple submitters, no conflicts (2 of 4 stars). 6 submissions from 6 submitters: Benign (1); Likely benign (5). Last evaluated 2025-07-25.

Conditions:
Familial cancer of breast. Also called: Hereditary breast cancer; hereditary breast carcinoma; BREAST CANCER, FAMILIAL. Identifiers: Orphanet 227535, MedGen C0346153, MONDO:0016419, OMIM 114480. Disease mechanism: loss of function.
Hereditary cancer-predisposing syndrome. Also called: Hereditary Cancer Syndrome; Hereditary neoplastic syndrome; Neoplastic Syndromes, Hereditary; Tumor predisposition. Identifiers: Orphanet 140162, MedGen C0027672, MeSH D009386, MONDO:0015356.

Allele frequency attached by ClinVar (database versions not stated): gnomAD exomes below 0.00001 and 0.00001; gnomAD 0.00001; TOPMed 0.00003.
gnomAD v4.1: 6 of 1,610,546 alleles (0.00037%); highest among the groups gnomAD compares: Admixed American, 0.005%; no homozygotes.

Submissions (6):

Women's Health and Genetics/Laboratory Corporation of America, LabCorp
Classification: Likely benign. Last evaluated: 2025-07-25. Review status: criteria provided, single submitter. Criteria: LabCorp Variant Classification Summary - May 2015. Collection method: clinical testing. Allele origin: germline.

Labcorp Genetics (formerly Invitae), Labcorp
Classification: Likely benign for Familial cancer of breast. Last evaluated: 2025-04-10. Review status: criteria provided, single submitter. Criteria: Invitae Variant Classification Sherloc (09022015). Collection method: clinical testing. Allele origin: germline.

Myriad Genetics, Inc.
Classification: Benign for Familial cancer of breast. Last evaluated: 2025-01-21. Review status: criteria provided, single submitter. Criteria: Myriad Autosomal Dominant, Autosomal Recessive and X-Linked Classification Criteria (2023). Collection method: clinical testing. Allele origin: unknown.
Comment: This variant is considered benign. This variant is a silent/synonymous amino acid change and it is not expected to impact splicing.

Color Diagnostics, LLC DBA Color Health
Classification: Likely benign for Hereditary cancer-predisposing syndrome. Last evaluated: 2017-11-22. Review status: criteria provided, single submitter. Criteria: ACMG Guidelines, 2015. Collection method: clinical testing. Allele origin: germline.

Ambry Genetics
Classification: Likely benign for Hereditary cancer-predisposing syndrome. Last evaluated: 2016-10-25. Review status: criteria provided, single submitter. Criteria: Ambry Variant Classification Scheme 2023. Collection method: clinical testing. Allele origin: germline.

GeneDx
Classification: Likely benign. Last evaluated: 2016-08-01. Review status: criteria provided, single submitter. Criteria: GeneDx Variant Classification (06012015). Collection method: clinical testing. Allele origin: germline. Affected: yes.
Comment: This variant is considered likely benign or benign based on one or more of the following criteria: it is a conservative change, it occurs at a poorly conserved position in the protein, it is predicted to be benign by multiple in silico algorithms, and/or has population frequency not consistent with disease.

NM_024675.4(PALB2):c.3099C>T (p.Asn1033=)

Gene: PALB2 (partner and localizer of BRCA2; minus strand). Cytogenetic location: 16p12.2.
Variant type: single nucleotide variant.
Coding change: c.3099C>T on transcript NM_024675.4 (MANE Select); coding-DNA position 3099, C replaced by T.
Protein change: p.Asn1033=; no amino-acid change (asparagine 1033 retained).
Molecular consequence: synonymous variant.
Genome position (GRCh38, 1-based): chr16:23,621,376, G>A on the plus strand (C>T on the coding strand, the complement: PALB2 is on the minus strand). VCF-style: chr16-23621376-G-A. GRCh37 (hg19) VCF-style: chr16-23632697-G-A.
Identifiers: ClinVar variation 388304 (VCV000388304.21), dbSNP rs1057523064, ClinGen allele CA16607201.